The following is an entry in ClinVar:

NM_018489.3(ASH1L):c.6448A>G (p.Lys2150Glu)

Gene: ASH1L (ASH1 like histone lysine methyltransferase; minus strand). Cytogenetic location: 1q22.
Variant type: single nucleotide variant.
Coding change: c.6448A>G on transcript NM_018489.3 (MANE Select); coding-DNA position 6448, A replaced by G.
Protein change: p.Lys2150Glu; replaces lysine 2150 with glutamic acid.
Molecular consequence: missense variant.
Genome position (GRCh38, 1-based): chr1:155,370,868, T>C on the plus strand (A>G on the coding strand, the complement: ASH1L is on the minus strand). VCF-style: chr1-155370868-T-C. GRCh37 (hg19) VCF-style: chr1-155340659-T-C.
Other names: c.6463A>G, p.Lys2155Glu (NM_001366177.2); short protein forms K2150E, K2155E.
Identifiers: ClinVar variation 1690557 (VCV001690557.2), dbSNP rs2148415686, ClinGen allele CA342754675.

ClinVar aggregate classification (germline): Uncertain significance (1 of 4 stars; one submission).

Submission:

Laboratorio de Genetica e Diagnostico Molecular, Hospital Israelita Albert Einstein
Classification: Uncertain significance. Last evaluated: 2022-01-12. Review status: criteria provided, single submitter. Criteria: ACMG Guidelines, 2015. Collection method: clinical testing. Allele origin: germline. Affected: yes.
Comment: ACMG classification criteria: PM2, PP2, PP3